The following is an entry in ClinVar:

NM_001308093.3(GATA4):c.853C>T (p.Arg285Cys)

Gene: GATA4 (GATA binding protein 4). Cytogenetic location: 8p23.1.
Variant type: single nucleotide variant.
Coding change: c.853C>T on transcript NM_001308093.3 (MANE Select); coding-DNA position 853, C replaced by T.
Protein change: p.Arg285Cys; replaces arginine 285 with cysteine.
Molecular consequence: missense variant. On other transcripts: intron variant (1).
Genome position (GRCh38, 1-based): chr8:11,750,177, C>T. VCF-style: chr8-11750177-C-T. GRCh37 (hg19) VCF-style: chr8-11607686-C-T.
Other names: c.232C>T, p.Arg78Cys (NM_001308094.2, NM_001374273.1); c.850C>T, p.Arg284Cys (NM_002052.5); c.165+1092C>T (NM_001374274.1); short protein forms R284C, R285C, R78C.
Identifiers: ClinVar variation 2707525 (VCV002707525.3), dbSNP rs2130313262, ClinGen allele CA370313034.
Genomic context (GRCh38, chr8:11,750,177, plus strand): 5'-TCCCGCCGAGTGGGCCTCTCCTGTGCCAACTGCCAGACCACCACCACCACGCTGTGGCGC[C>T]GCAATGCGGAGGGCGAGCCTGTGTGCAATGCCTGCGGCCTCTACATGAAGCTCCACGGGG-3'
Protein context (NP_001295022.1, residues 275-295): CQTTTTTLWR[Arg285Cys]NAEGEPVCNA

ClinVar aggregate classification (germline): Uncertain significance (1 of 4 stars; one submission).

Conditions:
Atrioventricular septal defect 4 (AVSD4). Identifiers: MedGen C3280781, MONDO:0013747, OMIM 614430.

Submission:

Labcorp Genetics (formerly Invitae), Labcorp
Classification: Uncertain significance for Atrioventricular septal defect 4. Last evaluated: 2024-01-04. Review status: criteria provided, single submitter. Criteria: Invitae Variant Classification Sherloc (09022015). Collection method: clinical testing. Allele origin: germline.
Comment: This sequence change replaces arginine, which is basic and polar, with cysteine, which is neutral and slightly polar, at codon 284 of the GATA4 protein (p.Arg284Cys). This variant is not present in population databases (gnomAD no frequency). This variant has not been reported in the literature in individuals affected with GATA4-related conditions. Advanced modeling of protein sequence and biophysical properties (such as structural, functional, and spatial information, amino acid conservation, physicochemical variation, residue mobility, and thermodynamic stability) performed at Invitae indicates that this missense variant is expected to disrupt GATA4 protein function with a positive predictive value of 80%. This variant disrupts the p.Arg284 amino acid residue in GATA4. Other variant(s) that disrupt this residue have been determined to be pathogenic (PMID: 26014430, 30455927). This suggests that this residue is clinically significant, and that variants that disrupt this residue are likely to be disease-causing. In summary, the available evidence is currently insufficient to determine the role of this variant in disease. Therefore, it has been classified as a Variant of Uncertain Significance.

Literature cited by the submitters: PubMed 26014430; PubMed 30455927.